The following is an entry in ClinVar:

NM_005751.5(AKAP9):c.9607G>C (p.Val3203Leu)

Gene: AKAP9 (A-kinase anchoring protein 9; plus strand). Cytogenetic location: 7q21.2.
Variant type: single nucleotide variant.
Coding change: c.9607G>C on transcript NM_005751.5 (MANE Select); coding-DNA position 9607, G replaced by C.
Protein change: p.Val3203Leu; replaces valine 3203 with leucine.
Molecular consequence: missense variant.
Genome position (GRCh38, 1-based): chr7:92,095,051, G>C. VCF-style: chr7-92095051-G-C. GRCh37 (hg19) VCF-style: chr7-91724365-G-C.
Other names: c.4252G>C, p.Val1418Leu (NM_001379277.1); c.9583G>C, p.Val3195Leu (NM_147185.3); short protein forms V1418L, V3195L, V3203L.
Identifiers: ClinVar variation 999216 (VCV000999216.8), dbSNP rs1370864979, ClinGen allele CA368149193.

ClinVar aggregate classification (germline): Uncertain significance (1 of 4 stars; one submission).

Conditions:
Long QT syndrome (LQTS). Identifiers: MedGen C0023976, MeSH D008133, MONDO:0002442. Disease mechanism: loss of function. Inheritance: Various modes of inheritance.

Submission:

Labcorp Genetics (formerly Invitae), Labcorp
Classification: Uncertain significance for Long QT syndrome. Last evaluated: 2020-08-20. Review status: criteria provided, single submitter. Criteria: Invitae Variant Classification Sherloc (09022015). Collection method: clinical testing. Allele origin: germline.
Comment: This sequence change replaces valine with leucine at codon 3203 of the AKAP9 protein (p.Val3203Leu). The valine residue is moderately conserved and there is a small physicochemical difference between valine and leucine. This variant is not present in population databases (ExAC no frequency). In summary, the available evidence is currently insufficient to determine the role of this variant in disease. Therefore, it has been classified as a Variant of Uncertain Significance. Algorithms developed to predict the effect of missense changes on protein structure and function (SIFT, PolyPhen-2, Align-GVGD) all suggest that this variant is likely to be tolerated, but these predictions have not been confirmed by published functional studies and their clinical significance is uncertain. This variant has not been reported in the literature in individuals with AKAP9-related conditions.